The following is an entry in ClinVar:

ClinVar aggregate classification (germline): Uncertain significance. Review status: criteria provided, multiple submitters, no conflicts (2 of 4 stars). 2 submissions from 2 submitters: Uncertain significance (2). Last evaluated 2026-01-12.

Conditions:
Inborn genetic diseases. Identifiers: MedGen C0950123, MeSH D030342.
Combined oxidative phosphorylation defect type 27. Also called: Combined oxidative phosphorylation deficiency 27. Identifiers: Orphanet 477774, MedGen C5567608, MONDO:0014728, OMIM 616672.

gnomAD v4.1: 6 of 1,510,106 alleles (0.0004%); highest among the groups gnomAD compares: African/African-American, 0.0072%; no homozygotes.

Submissions (2):

Labcorp Genetics (formerly Invitae), Labcorp
Classification: Uncertain significance for Combined oxidative phosphorylation defect type 27. Last evaluated: 2026-01-12. Review status: criteria provided, single submitter. Criteria: Invitae Variant Classification Sherloc (09022015). Collection method: clinical testing. Allele origin: germline.
Comment: This sequence change replaces glycine, which is neutral and non-polar, with tryptophan, which is neutral and slightly polar, at codon 39 of the CARS2 protein (p.Gly39Trp). The frequency data for this variant in the population databases is considered unreliable, as metrics indicate poor data quality at this position in the gnomAD database. This variant has not been reported in the literature in individuals affected with CARS2-related conditions. ClinVar contains an entry for this variant (Variation ID: 1492907). An algorithm developed to predict the effect of missense changes on protein structure and function (PolyPhen-2) suggests that this variant is likely to be disruptive. In summary, the available evidence is currently insufficient to determine the role of this variant in disease. Therefore, it has been classified as a Variant of Uncertain Significance.

Ambry Genetics
Classification: Uncertain significance for Inborn genetic diseases. Last evaluated: 2024-10-20. Review status: criteria provided, single submitter. Criteria: Ambry Variant Classification Scheme 2023. Collection method: clinical testing. Allele origin: germline.

NM_024537.4(CARS2):c.115G>T (p.Gly39Trp)

Genes: CARS2 (cysteinyl-tRNA synthetase 2, mitochondrial; minus strand), LOC130010127 (ATAC-STARR-seq lymphoblastoid silent region 5509; plus strand). Cytogenetic location: 13q34.
Variant type: single nucleotide variant.
Coding change: c.115G>T on transcript NM_024537.4 (MANE Select); coding-DNA position 115, G replaced by T.
Protein change: p.Gly39Trp; replaces glycine 39 with tryptophan.
Molecular consequence: missense variant. On other transcripts: non-coding transcript variant (1), intron variant (1).
Genome position (GRCh38, 1-based): chr13:110,705,979, C>A on the plus strand (G>T on the coding strand, the complement: CARS2 is on the minus strand). VCF-style: chr13-110705979-C-A. GRCh37 (hg19) VCF-style: chr13-111358326-C-A.
Other names: c.115G>T, p.Gly39Trp (NM_001352253.3); c.-776+392G>T (NM_001352252.2); c.115G>T (NM_024537.2); short protein forms G39W.
Identifiers: ClinVar variation 1492907 (VCV001492907.9), dbSNP rs1330266756, ClinGen allele CA388743290.